The following is an entry in ClinVar:

NM_000360.4(TH):c.186G>A (p.Ser62=)

Gene: TH (tyrosine hydroxylase; minus strand). Cytogenetic location: 11p15.5.
Variant type: single nucleotide variant.
Coding change: c.186G>A on transcript NM_000360.4 (MANE Select); coding-DNA position 186, G replaced by A.
Protein change: p.Ser62=; no amino-acid change (serine 62 retained).
Molecular consequence: synonymous variant.
Genome position (GRCh38, 1-based): chr11:2,169,776, C>T on the plus strand (G>A on the coding strand, the complement: TH is on the minus strand). VCF-style: chr11-2169776-C-T. GRCh37 (hg19) VCF-style: chr11-2191006-C-T.
Other names: p.Ser93=; c.279G>A, p.Ser93= (NM_199292.3); c.267G>A, p.Ser89= (NM_199293.3).
Identifiers: ClinVar variation 263252 (VCV000263252.21), dbSNP rs34510659, ClinGen allele CA5818771.

ClinVar aggregate classification (germline): Benign. Review status: criteria provided, multiple submitters, no conflicts (2 of 4 stars). 8 submissions from 8 submitters: Benign (7). 1 of the submissions does not count toward it. Last evaluated 2026-02-02.

Conditions:
TH-deficient dopa-responsive dystonia. Also called: DYT-TH; Segawa syndrome, autosomal recessive; Tyrosine Hydroxylase-Deficient Dopa-Responsive Dystonia. Identifiers: Orphanet 101150, MedGen C2673535, MONDO:0011551, OMIM 605407.

Allele frequency attached by ClinVar (database versions not stated): gnomAD exomes 0.00247 and 0.00652; 1000 Genomes Project 30x 0.02358; TOPMed 0.02866; gnomAD 0.02696 and 0.02488; ExAC 0.00819; 1000 Genomes Project 0.02436; ESP Exome Variant Server 0.02689.
gnomAD v4.1: 7,623 of 1,611,736 alleles (0.47%); highest among the groups gnomAD compares: African/African-American, 8.7%; 318 homozygotes.

Submissions (8):

Labcorp Genetics (formerly Invitae), Labcorp
Classification: Benign for TH-deficient dopa-responsive dystonia. Last evaluated: 2026-02-02. Review status: criteria provided, single submitter. Criteria: Invitae Variant Classification Sherloc (09022015). Collection method: clinical testing. Allele origin: germline.

Mayo Clinic Laboratories, Mayo Clinic
Classification: Benign. Last evaluated: 2022-03-24. Review status: criteria provided, single submitter. Criteria: ACMG Guidelines, 2015. Collection method: clinical testing. Allele origin: germline. Observed: 2 variant alleles.

GeneDx
Classification: Benign. Last evaluated: 2018-07-30. Review status: criteria provided, single submitter. Criteria: GeneDx Variant Classification Process June 2021. Collection method: clinical testing. Allele origin: germline. Affected: yes.

Athena Diagnostics
Classification: Benign. Last evaluated: 2018-06-11. Review status: criteria provided, single submitter. Criteria: Athena Diagnostics Criteria. Collection method: clinical testing. Allele origin: germline.

Illumina Laboratory Services, Illumina
Classification: Benign for TH-deficient dopa-responsive dystonia. Last evaluated: 2018-01-12. Review status: criteria provided, single submitter. Criteria: ICSL Variant Classification Criteria 13 December 2019. Collection method: clinical testing. Allele origin: germline.
Comment: This variant was observed in the ICSL laboratory as part of a predisposition screen in an ostensibly healthy population. It had not been previously curated by ICSL or reported in the Human Gene Mutation Database (HGMD: prior to June 1st, 2018), and was therefore a candidate for classification through an automated scoring system. Utilizing variant allele frequency, disease prevalence and penetrance estimates, and inheritance mode, an automated score was calculated to assess if this variant is too frequent to cause the disease. Based on the score and internal cut-off values, a variant classified as benign is not then subjected to further curation. The score for this variant resulted in a classification of benign for this disease.

Breakthrough Genomics
Classification: Benign. Review status: criteria provided, single submitter. Criteria: ACMG Guidelines, 2015. Collection method: not provided. Allele origin: germline. Inheritance: Autosomal recessive inheritance. Affected: yes.

PreventionGenetics, part of Exact Sciences
Classification: Benign. Review status: criteria provided, single submitter. Criteria: ACMG Guidelines, 2015. Collection method: clinical testing. Allele origin: germline.

Natera, Inc.
Classification: Benign for Autosomal recessive Segawa syndrome. Last evaluated: 2020-09-16. Review status: no assertion criteria provided. Collection method: clinical testing. Allele origin: germline. Not counted in ClinVar's aggregate classification.